The following is an entry in ClinVar:

ClinVar aggregate classification (germline): Likely pathogenic. Review status: criteria provided, multiple submitters, no conflicts (2 of 4 stars). 2 submissions from 2 submitters: Likely pathogenic (2). Last evaluated 2026-09-27.

Conditions:
Silver-Russell syndrome 1 (SRS1). Also called: Chromosome 7-Related Russell-Silver Syndrome. Identifiers: Orphanet 813, MedGen C5393125, MONDO:0020796, OMIM 180860.

Submissions (2):

Genetic Diseases Diagnosis and Evaluation Center, Izmir City Hospital
Classification: Likely pathogenic for Silver-Russell syndrome 1. Last evaluated: 2026-09-27. Review status: criteria provided, single submitter. Criteria: IzmirCityHospital ClinVar Assertion Criteria V1.1. Collection method: provider interpretation. Allele origin: de novo. Inheritance: Autosomal dominant inheritance with paternal imprinting. Affected: yes. Observed: 1 variant allele, 1 heterozygote.
Comment: It is present in a single heterozygous individual in gnomAD v4.1.1 (allele frequency 6.7 x 10^-7). The variant lies within the C-terminal PCNA-binding domain of p57Kip2 (residues 261-268 in NP_001116102; 272-279 in NP_000067), a known hotspot for gain-of-function variants, where no other missense variants passing quality filters are listed in gnomAD. Different missense substitutions at the same residue have been reported as pathogenic: p.Arg268Leu (p.Arg279Leu in NM_000076.2) in familial SRS (PMID: 24065356) and p.Arg268Pro (p.Arg279Pro) in IMAGe syndrome. The identical substitution (NM_000076.2:c.836G>A, p.Arg279His) segregated with SRS without adrenal insufficiency in a multigenerational family (PMID: 37469742). ACMG/AMP criteria were applied with ClinGen SVI recommendations and the Bayesian point system: PS2_Supporting, PM2_Supporting, PM1, PM5, PP1_Supporting. This observation is consistent with the SRS-IMAGe phenotypic continuum associated with gain-of-function variants in the PCNA-binding domain.

GeneDx
Classification: Likely pathogenic. Last evaluated: 2025-09-23. Review status: criteria provided, single submitter. Criteria: GeneDx Variant Classification Process June 2021. Collection method: clinical testing. Allele origin: germline.
Comment: Not observed at significant frequency in large population cohorts (gnomAD); In silico analysis supports that this missense variant has a deleterious effect on protein structure/function; This variant is associated with the following publications: (PMID: 37469742)

Literature cited by the submitters: DOI 10.12998/wjcc.v11.i19.4655 (cited by Genetic Diseases Diagnosis and Evaluation Center, Izmir City Hospital); DOI 10.1136/jmedgenet-2013-101691 (cited by Genetic Diseases Diagnosis and Evaluation Center, Izmir City Hospital); DOI 10.1155/2019/1398250 (cited by Genetic Diseases Diagnosis and Evaluation Center, Izmir City Hospital); DOI 10.1038/ng.2275 (cited by Genetic Diseases Diagnosis and Evaluation Center, Izmir City Hospital); DOI 10.1186/s13148-020-00945-y (cited by Genetic Diseases Diagnosis and Evaluation Center, Izmir City Hospital).

NM_001122630.2(CDKN1C):c.803G>A (p.Arg268His)

Gene: CDKN1C (cyclin dependent kinase inhibitor 1C; minus strand). Cytogenetic location: 11p15.4.
Variant type: single nucleotide variant.
Coding change: c.803G>A on transcript NM_001122630.2 (MANE Select); coding-DNA position 803, G replaced by A.
Protein change: p.Arg268His; replaces arginine 268 with histidine.
Molecular consequence: missense variant.
Genome position (GRCh38, 1-based): chr11:2,884,119, C>T on the plus strand (G>A on the coding strand, the complement: CDKN1C is on the minus strand). VCF-style: chr11-2884119-C-T. GRCh37 (hg19) VCF-style: chr11-2905349-C-T.
Other names: NC_000011.10:g.2884119C>T; p.Arg268His; c.836G>A, p.Arg279His (NM_000076.2, NM_001362474.2); c.803G>A, p.Arg268His (NM_001122631.2); c.271G>A, p.Ala91Thr (NM_001362475.2); short protein forms A91T, R268H, R279H.
Identifiers: ClinVar variation 3253443 (VCV003253443.3), dbSNP rs318240750.